The following is an entry in ClinVar:

NM_152732.5(RSPH9):c.1A>G (p.Met1Val)

Gene: RSPH9 (radial spoke head component 9; plus strand). Cytogenetic location: 6p21.1.
Variant type: single nucleotide variant.
Coding change: c.1A>G on transcript NM_152732.5 (MANE Select); coding-DNA position 1, A replaced by G.
Protein change: p.Met1Val; changes the start codon (methionine 1).
Molecular consequence: missense variant, initiator codon variant. On other transcripts: non-coding transcript variant (2).
Genome position (GRCh38, 1-based): chr6:43,645,099, A>G. VCF-style: chr6-43645099-A-G. GRCh37 (hg19) VCF-style: chr6-43612836-A-G.
Other names: c.1A>G, p.Met1Val (NM_001193341.2, NM_001424119.1, NM_001424120.1 and 1 more transcripts); c.1A>G (NM_152732.4); short protein forms M1V.
Identifiers: ClinVar variation 1392419 (VCV001392419.11), dbSNP rs775745422, ClinGen allele CA364286809.

ClinVar aggregate classification (germline): Pathogenic. Review status: criteria provided, single submitter (1 of 4 stars). 2 submissions from 2 submitters: Pathogenic (1). 1 of the submissions does not count toward it. Last evaluated 2022-02-04.

Conditions:
RSPH9-related disorder. Also called: RSPH9-related condition.
Primary ciliary dyskinesia. Also called: Ciliary dyskinesia. Identifiers: Orphanet 244, MedGen C0008780, MONDO:0016575, HP:0012265.

Submissions (2):

Labcorp Genetics (formerly Invitae), Labcorp
Classification: Pathogenic for Primary ciliary dyskinesia. Last evaluated: 2022-02-04. Review status: criteria provided, single submitter. Criteria: Invitae Variant Classification Sherloc (09022015). Collection method: clinical testing. Allele origin: germline.
Comment: For these reasons, this variant has been classified as Pathogenic. Disruption of the initiator codon has been observed in individuals with primary ciliary dyskinesia (PMID: 23993197, 25789548; Invitae). This variant is not present in population databases (gnomAD no frequency). This sequence change affects the initiator methionine of the RSPH9 mRNA. The next in-frame methionine is located at codon 33.

PreventionGenetics, part of Exact Sciences
Classification: Likely pathogenic for RSPH9-related condition. Last evaluated: 2024-03-03. Review status: no assertion criteria provided. Collection method: clinical testing. Allele origin: germline. Not counted in ClinVar's aggregate classification.
Comment: The RSPH9 c.1A>G variant is predicted to disrupt the translation initiation site (Start Loss). To our knowledge, this variant has not been reported in the literature or in a large population database, indicating this variant is rare. Alternate nucleotide changes affecting the start codon (c.2T>C and c.3G>A) have been reported in the homozygous state in individuals with primary ciliary dyskinesia (Frommer et al. 2015. PubMed ID: 25789548; Table S1, Kott et al. 2013. PubMed ID: 23993197). This variant is interpreted as likely pathogenic.

Literature cited by the submitters: PubMed 23993197 (cited by Labcorp Genetics (formerly Invitae), Labcorp); PubMed 25789548 (cited by Labcorp Genetics (formerly Invitae), Labcorp).